The following is an entry in ClinVar:

ClinVar aggregate classification (germline): Pathogenic (1 of 4 stars; one submission).

Conditions:
Aspartylglucosaminuria (AGU). Also called: AGA DEFICIENCY; GLYCOASPARAGINASE; GLYCOSYLASPARAGINASE DEFICIENCY; Aspartylglucos-aminuria; Aspartylglucos-amidase (AGA) deficiency. Identifiers: Orphanet 93, MedGen C0268225, MONDO:0008830, OMIM 208400, HP:0012068.

Submission:

Myriad Genetics, Inc.
Classification: Pathogenic for Aspartylglucosaminuria. Last evaluated: 2025-11-03. Review status: criteria provided, single submitter. Criteria: Myriad Autosomal Dominant, Autosomal Recessive and X-Linked Classification Criteria (2023). Collection method: clinical testing. Allele origin: unknown.
Comment: NM_000027.3(AGA):c.217_218delGT(V73Rfs*7) is a frameshift variant classified as pathogenic in the context of aspartylglucosaminuria. V73Rfs*7 has not been observed in cases with relevant disease. Relevant functional assessments of this variant are not available in the literature. V73Rfs*7 has not been observed in referenced population frequency databases. In summary, NM_000027.3(AGA):c.217_218delGT(V73Rfs*7) is a frameshift variant in a gene where loss of function is a known mechanism of disease and is predicted to disrupt protein function. Please note: this variant was assessed in the context of healthy population screening.

NM_000027.4(AGA):c.217_218del (p.Val73fs)

Gene: AGA (aspartylglucosaminidase; minus strand). Cytogenetic location: 4q34.3.
Variant type: Deletion.
Coding change: c.217_218del on transcript NM_000027.4 (MANE Select); coding-DNA positions 217 to 218, 2 bases deleted (GT; older notation c.217_218delGT).
Protein change: p.Val73fs; shifts the reading frame from valine 73.
Molecular consequence: frameshift variant. On other transcripts: non-coding transcript variant (1).
Genome position (GRCh38, 1-based): chr4:177,440,336-177,440,337, AC deleted on the plus strand (GT on the coding strand, the reverse complement: AGA is on the minus strand); deleting any 2 consecutive bases within chr4:177,440,336-177,440,338 gives the same sequence; the c. name uses the placement nearest the transcript's 3' end. VCF-style (leftmost placement, unchanged base first): chr4-177440335-TAC-T. GRCh37 (hg19) VCF-style: chr4-178361489-TAC-T.
Other names: c.217_218del, p.Val73fs (NM_001171988.2); short protein forms V73fs.
Identifiers: ClinVar variation 5004267 (VCV005004267.1).